The following is an entry in ClinVar:

NM_001734.5(C1S):c.2024del (p.Ile675fs)

Gene: C1S (complement C1s; plus strand). Cytogenetic location: 12p13.31.
Variant type: Deletion.
Coding change: c.2024del on transcript NM_001734.5 (MANE Select); coding-DNA position 2024, one base deleted (T; older notation c.2024delT).
Protein change: p.Ile675fs; shifts the reading frame from isoleucine 675.
Molecular consequence: frameshift variant.
Genome position (GRCh38, 1-based): chr12:7,070,608, T deleted. VCF-style (leftmost placement, unchanged base first): chr12-7070607-AT-A. GRCh37 (hg19) VCF-style: chr12-7177911-AT-A.
Other names: c.1523del, p.Ile508fs (NM_001346850.2); c.2024del, p.Ile675fs (NM_201442.4); short protein forms I675fs, I508fs.
Identifiers: ClinVar variation 2730506 (VCV002730506.3), dbSNP rs2539609619, ClinGen allele CA2697559106.

ClinVar aggregate classification (germline): Uncertain significance (1 of 4 stars; one submission).

Submission:

Labcorp Genetics (formerly Invitae), Labcorp
Classification: Uncertain significance. Last evaluated: 2023-09-01. Review status: criteria provided, single submitter. Criteria: Invitae Variant Classification Sherloc (09022015). Collection method: clinical testing. Allele origin: germline.
Comment: Experimental studies and prediction algorithms are not available or were not evaluated, and the functional significance of this variant is currently unknown. This variant has not been reported in the literature in individuals affected with C1S-related conditions. This variant is not present in population databases (gnomAD no frequency). In summary, the available evidence is currently insufficient to determine the role of this variant in disease. Therefore, it has been classified as a Variant of Uncertain Significance. This sequence change creates a premature translational stop signal (p.Ile675Lysfs*2) in the C1S gene. While this is not anticipated to result in nonsense mediated decay, it is expected to disrupt the last 14 amino acid(s) of the C1S protein.